The following continues an entry in ClinVar:

NM_007294.4(BRCA1):c.1016dup (p.Val340fs)

Gene: BRCA1. ClinVar aggregate classification (germline): Pathogenic. Pathogenic (1).

Submissions 25 to 35 of 35:

Consortium of Investigators of Modifiers of BRCA1/2 (CIMBA), c/o University of Cambridge
Classification: Pathogenic for Breast-ovarian cancer, familial, susceptibility to, 1. Last evaluated: 2015-10-02. Review status: criteria provided, single submitter. Criteria: CIMBA Mutation Classification guidelines May 2016. Collection method: clinical testing. Allele origin: germline. Not counted in ClinVar's aggregate classification.

Department of Medical Genetics, Oslo University Hospital
Classification: Pathogenic for Breast-ovarian cancer, familial, susceptibility to, 1. Last evaluated: 2015-07-01. Review status: criteria provided, single submitter. Criteria: ACMG Guidelines, 2015. Collection method: clinical testing. Allele origin: germline. Affected: yes. Observed: 471 variant alleles. Not counted in ClinVar's aggregate classification.

Department of Pathology and Laboratory Medicine, Sinai Health System
Classification: Pathogenic for Hereditary breast ovarian cancer syndrome. Review status: criteria provided, single submitter. Criteria: ACMG Guidelines, 2015. Collection method: clinical testing. Allele origin: germline. Affected: yes. Study: The Canadian Open Genetics Repository (COGR). Not counted in ClinVar's aggregate classification.

BRCAlab, Lund University
Classification: Pathogenic for Breast-ovarian cancer, familial, susceptibility to, 1. Last evaluated: 2022-08-26. Review status: no assertion criteria provided. Collection method: clinical testing. Allele origin: germline. Affected: yes. Not counted in ClinVar's aggregate classification.

German Consortium for Hereditary Breast and Ovarian Cancer, University Hospital Cologne
Classification: Pathogenic for Ovarian neoplasm. Last evaluated: 2018-12-01. Review status: no assertion criteria provided. Collection method: research. Allele origin: somatic. Affected: yes. Not counted in ClinVar's aggregate classification.

Curoverse
Classification: Pathogenic for q. Last evaluated: 2015-08-01. Review status: no assertion criteria provided. Collection method: research. Allele origin: germline. Affected: no. Observed: 1 variant allele. Not counted in ClinVar's aggregate classification.
Comment: Frameshifts in BRCA1 are considered pathogenic, and this is a BRCA1 Val340Gly frameshift variant in exon 10

Research Molecular Genetics Laboratory, Women's College Hospital, University of Toronto
Classification: Pathogenic for Hereditary breast ovarian cancer syndrome. Last evaluated: 2014-01-31. Review status: no assertion criteria provided. Collection method: research. Allele origin: germline. Affected: yes. Study: The Canadian Open Genetics Repository (COGR). Not counted in ClinVar's aggregate classification.

Sharing Clinical Reports Project (SCRP)
Classification: Pathogenic for Breast-ovarian cancer, familial 1. Last evaluated: 2012-06-25. Review status: no assertion criteria provided. Collection method: clinical testing. Allele origin: germline. Not counted in ClinVar's aggregate classification.

Foulkes Cancer Genetics LDI, Lady Davis Institute for Medical Research
Classification: Pathogenic for Breast and/or ovarian cancer. Last evaluated: 2010-04-14. Review status: no assertion criteria provided. Collection method: clinical testing. Allele origin: germline. Study: The Canadian Open Genetics Repository (COGR). Not counted in ClinVar's aggregate classification.

Breast Cancer Information Core (BIC) (BRCA1)
Classification: Pathogenic for Breast-ovarian cancer, familial 1. Last evaluated: 2002-05-29. Review status: no assertion criteria provided. Collection method: clinical testing. Allele origin: germline, somatic. Affected: yes. Observed: 52 variant alleles. Not counted in ClinVar's aggregate classification.

OMIM
Classification: Pathogenic for BREAST-OVARIAN CANCER, FAMILIAL, SUSCEPTIBILITY TO, 1. Last evaluated: 1994-12-01. Review status: no assertion criteria provided. Collection method: literature only. Allele origin: germline. Not counted in ClinVar's aggregate classification.

Literature cited by the submitters: PubMed 20104584 (cited by Labcorp Genetics (formerly Invitae), Labcorp); PubMed 10441573 (cited by 5 submitters); PubMed 15024741 (cited by 6 submitters); PubMed 18489799 (cited by 3 submitters); PubMed 23199084 (cited by 4 submitters); PubMed 23289006 (cited by 6 submitters); PubMed 33471991 (cited by Quest Diagnostics Nichols Institute San Juan Capistrano); PubMed 1135 (cited by Quest Diagnostics Nichols Institute San Juan Capistrano); PubMed 31336956 (cited by 4 submitters); PubMed 10595257 (cited by Quest Diagnostics Nichols Institute San Juan Capistrano); PubMed 39971428 (cited by Quest Diagnostics Nichols Institute San Juan Capistrano); PubMed 7894492 (cited by 6 submitters); PubMed 26350514 (cited by 4 submitters); PubMed 28724667 (cited by 5 submitters); PubMed 25186627 (cited by Quest Diagnostics Nichols Institute San Juan Capistrano); PubMed 26295337 (cited by Quest Diagnostics Nichols Institute San Juan Capistrano); PubMed 8755943 (cited by 3 submitters); PubMed 17688236 (cited by 3 submitters); PubMed 18703817 (cited by 3 submitters); PubMed 27062684 (cited by 4 submitters); PubMed 29339979 (cited by 3 submitters); PubMed 28111427 (cited by Ambry Genetics and AiLife Diagnostics); PubMed 28184945 (cited by Ambry Genetics and AiLife Diagnostics); PubMed 30078507 (cited by Ambry Genetics and AiLife Diagnostics); PubMed 30322717 (cited by Ambry Genetics and AiLife Diagnostics); PubMed 31411802 (cited by Ambry Genetics and AiLife Diagnostics); PubMed 32778078 (cited by Ambry Genetics); PubMed 23697973 (cited by Mayo Clinic Laboratories, Mayo Clinic and Women's Health and Genetics/Laboratory Corporation of America, LabCorp); PubMed 27926510 (cited by Mayo Clinic Laboratories, Mayo Clinic); PubMed 35464868 (cited by Mayo Clinic Laboratories, Mayo Clinic); DOI 10.3389/fgene.2022.834265 (cited by National Health Laboratory Service, Universitas Academic Hospital and University of the Free State); PubMed 30702160 (cited by AiLife Diagnostics); PubMed 31825140 (cited by AiLife Diagnostics); PubMed 32231684 (cited by AiLife Diagnostics); PubMed 16267036 (cited by Women's Health and Genetics/Laboratory Corporation of America, LabCorp); PubMed 18824701 (cited by Women's Health and Genetics/Laboratory Corporation of America, LabCorp); PubMed 21120943 (cited by Women's Health and Genetics/Laboratory Corporation of America, LabCorp); PMC 3583621 (cited by Curoverse); DOI 10.1001/jama.2011.678 (cited by Curoverse); Wagner et al. Int. J. Cancer, in press (cited by Breast Cancer Information Core (BIC) (BRCA1)).